The following is an entry in ClinVar:

ClinVar aggregate classification (germline): Uncertain significance (1 of 4 stars; one submission).

Conditions:
Familial temporal lobe epilepsy 7. Identifiers: Orphanet 101046, MedGen C4225327, MONDO:0014639, OMIM 616436.
Norman-Roberts syndrome (LIS2). Also called: Lissencephaly 2 (Norman-Roberts type). Identifiers: Orphanet 89844, MedGen C0796089, MONDO:0009760, OMIM 257320.

Submission:

Labcorp Genetics (formerly Invitae), Labcorp
Classification: Uncertain significance for Familial temporal lobe epilepsy 7; Norman-Roberts syndrome. Last evaluated: 2023-06-10. Review status: criteria provided, single submitter. Criteria: Invitae Variant Classification Sherloc (09022015). Collection method: clinical testing. Allele origin: germline.
Comment: In summary, the available evidence is currently insufficient to determine the role of this variant in disease. Therefore, it has been classified as a Variant of Uncertain Significance. Advanced modeling of protein sequence and biophysical properties (such as structural, functional, and spatial information, amino acid conservation, physicochemical variation, residue mobility, and thermodynamic stability) performed at Invitae indicates that this missense variant is not expected to disrupt RELN protein function. This variant has not been reported in the literature in individuals affected with RELN-related conditions. This variant is not present in population databases (gnomAD no frequency). This sequence change replaces isoleucine, which is neutral and non-polar, with leucine, which is neutral and non-polar, at codon 1091 of the RELN protein (p.Ile1091Leu).

NM_005045.4(RELN):c.3271A>C (p.Ile1091Leu)

Gene: RELN (reelin; minus strand). Cytogenetic location: 7q22.1.
Variant type: single nucleotide variant.
Coding change: c.3271A>C on transcript NM_005045.4 (MANE Select); coding-DNA position 3271, A replaced by C.
Protein change: p.Ile1091Leu; replaces isoleucine 1091 with leucine.
Molecular consequence: missense variant.
Genome position (GRCh38, 1-based): chr7:103,603,366, T>G on the plus strand (A>C on the coding strand, the complement: RELN is on the minus strand). VCF-style: chr7-103603366-T-G. GRCh37 (hg19) VCF-style: chr7-103243813-T-G.
Other names: c.3271A>C, p.Ile1091Leu (NM_173054.3); short protein forms I1091L.
Identifiers: ClinVar variation 2948759 (VCV002948759.3), dbSNP rs2484735099, ClinGen allele CA368762979.